The following is an entry in ClinVar:

NM_001377.3(DYNC2H1):c.11934+123G>C

Gene: DYNC2H1 (dynein cytoplasmic 2 heavy chain 1; plus strand). Cytogenetic location: 11q22.3.
Variant type: single nucleotide variant.
Coding change: c.11934+123G>C on transcript NM_001377.3 (MANE Select); 123 bases into the intron after coding-DNA position 11934, G replaced by C.
Molecular consequence: intron variant.
Genome position (GRCh38, 1-based): chr11:103,321,360, G>C. VCF-style: chr11-103321360-G-C. GRCh37 (hg19) VCF-style: chr11-103192089-G-C.
Other names: c.11955+123G>C (NM_001080463.2).
Identifiers: ClinVar variation 667786 (VCV000667786.1), dbSNP rs313406, ClinGen allele CA13491077.
Genomic context (GRCh38, chr11:103,321,360, plus strand): 5'-GTTAAATACATGTTACTTCTTTTCAAATGCACAAGTAATTATTCACAGTTTGGATTATTT[G>C]TTATGACAATATATGGCTTGATTCTTTCAACTTTAGTGAGGCATCCTAAAAACTTTTGAG-3'

ClinVar aggregate classification (germline): Benign (1 of 4 stars; one submission).

Allele frequency attached by ClinVar (database versions not stated): 1000 Genomes Project 30x 0.41396; 1000 Genomes Project 0.41933; gnomAD 0.44249 and 0.44605; TOPMed 0.44308.
gnomAD v4.1: 525,738 of 1,067,816 alleles (49%); highest among the groups gnomAD compares: Admixed American, 62%; 132,769 homozygotes.

Submission:

GeneDx
Classification: Benign. Last evaluated: 2018-06-14. Review status: criteria provided, single submitter. Criteria: GeneDx Variant Classification (06012015). Collection method: clinical testing. Allele origin: germline. Affected: yes.
Comment: This variant is considered likely benign or benign based on one or more of the following criteria: it is a conservative change, it occurs at a poorly conserved position in the protein, it is predicted to be benign by multiple in silico algorithms, and/or has population frequency not consistent with disease.